The following is an entry in ClinVar:

ClinVar aggregate classification (germline): Uncertain significance (1 of 4 stars; one submission).

Allele frequency attached by ClinVar (database versions not stated): TOPMed 0.00004; gnomAD 0.00005; ExAC 0.00001.
gnomAD v4.1: 33 of 1,613,516 alleles (0.002%); highest among the groups gnomAD compares: East Asian, 0.0067%; no homozygotes.

Submission:

Labcorp Genetics (formerly Invitae), Labcorp
Classification: Uncertain significance. Last evaluated: 2024-09-30. Review status: criteria provided, single submitter. Criteria: Invitae Variant Classification Sherloc (09022015). Collection method: clinical testing. Allele origin: germline.
Comment: This sequence change replaces alanine, which is neutral and non-polar, with threonine, which is neutral and polar, at codon 3342 of the DNAH9 protein (p.Ala3342Thr). This variant is present in population databases (rs746387468, gnomAD 0.02%). This variant has not been reported in the literature in individuals affected with DNAH9-related conditions. ClinVar contains an entry for this variant (Variation ID: 2060212). Invitae Evidence Modeling of protein sequence and biophysical properties (such as structural, functional, and spatial information, amino acid conservation, physicochemical variation, residue mobility, and thermodynamic stability) indicates that this missense variant is not expected to disrupt DNAH9 protein function with a negative predictive value of 80%. In summary, the available evidence is currently insufficient to determine the role of this variant in disease. Therefore, it has been classified as a Variant of Uncertain Significance.

NM_001372.4(DNAH9):c.10024G>A (p.Ala3342Thr)

Gene: DNAH9 (dynein axonemal heavy chain 9; plus strand). Cytogenetic location: 17p12.
Variant type: single nucleotide variant.
Coding change: c.10024G>A on transcript NM_001372.4 (MANE Select); coding-DNA position 10024, G replaced by A.
Protein change: p.Ala3342Thr; replaces alanine 3342 with threonine.
Molecular consequence: missense variant.
Genome position (GRCh38, 1-based): chr17:11,869,224, G>A. VCF-style: chr17-11869224-G-A. GRCh37 (hg19) VCF-style: chr17-11772541-G-A.
Other names: short protein forms A3342T.
Identifiers: ClinVar variation 2060212 (VCV002060212.3), dbSNP rs746387468, ClinGen allele CA8397376.